The following is an entry in ClinVar:

NM_000548.5(TSC2):c.3191A>T (p.Asn1064Ile)

Gene: TSC2 (TSC complex subunit 2; plus strand). Cytogenetic location: 16p13.3.
Variant type: single nucleotide variant.
Coding change: c.3191A>T on transcript NM_000548.5 (MANE Select); coding-DNA position 3191, A replaced by T.
Protein change: p.Asn1064Ile; replaces asparagine 1064 with isoleucine.
Molecular consequence: missense variant.
Genome position (GRCh38, 1-based): chr16:2,079,335, A>T. VCF-style: chr16-2079335-A-T. GRCh37 (hg19) VCF-style: chr16-2129336-A-T.
Other names: c.3059A>T, p.Asn1020Ile (NM_001077183.3, NM_001370404.1, NM_001406665.1); c.3191A>T, p.Asn1064Ile (NM_001114382.3); c.2951A>T, p.Asn984Ile (NM_001318827.2); c.2915A>T, p.Asn972Ile (NM_001318829.2); c.2459A>T, p.Asn820Ile (NM_001318831.2, NM_001406687.1, NM_001406688.1); c.3092A>T, p.Asn1031Ile (NM_001318832.2); c.3062A>T, p.Asn1021Ile (NM_001363528.2, NM_001370405.1, NM_021055.3); c.3188A>T, p.Asn1063Ile (NM_001406663.1, NM_001406664.1); and 18 more; short protein forms N1017I, N1020I, N1027I, N1051I, N572I, N864I, N971I, N1021I.
Identifiers: ClinVar variation 1728675 (VCV001728675.2), dbSNP rs758690821, ClinGen allele CA394285610.

ClinVar aggregate classification (germline): Uncertain significance (1 of 4 stars; one submission).

Conditions:
Hereditary cancer-predisposing syndrome. Also called: Tumor predisposition; Neoplastic Syndromes, Hereditary; Hereditary Cancer Syndrome; Hereditary neoplastic syndrome. Identifiers: Orphanet 140162, MedGen C0027672, MeSH D009386, MONDO:0015356.

Submission:

Ambry Genetics
Classification: Uncertain significance for Hereditary cancer-predisposing syndrome. Last evaluated: 2022-09-17. Review status: criteria provided, single submitter. Criteria: Ambry Variant Classification Scheme 2023. Collection method: clinical testing. Allele origin: germline.
Comment: The p.N1064I variant (also known as c.3191A>T), located in coding exon 27 of the TSC2 gene, results from an A to T substitution at nucleotide position 3191. The asparagine at codon 1064 is replaced by isoleucine, an amino acid with dissimilar properties. This amino acid position is conserved. In addition, this alteration is predicted to be deleterious by in silico analysis. Since supporting evidence is limited at this time, the clinical significance of this alteration remains unclear.